The following is an entry in ClinVar:

NM_144672.4(OTOA):c.828del (p.Ser277fs)

Gene: OTOA (otoancorin). Cytogenetic location: 16p12.2.
Variant type: Deletion.
Coding change: c.828del on transcript NM_144672.4 (MANE Select); coding-DNA position 828, one base deleted.
Protein change: p.Ser277fs; shifts the reading frame from serine 277.
Molecular consequence: frameshift variant.
Genome position: GRCh38 VCF-style: chr16-21697861-AT-A. GRCh37 (hg19) VCF-style: chr16-21709182-AT-A.
Other names: c.828delT (NM_144672.3, NM_144672.4); c.591del, p.Ser198fs (NM_001161683.2); short protein forms S198fs, S277fs.
Identifiers: ClinVar variation 402235 (VCV000402235.30), dbSNP rs751447996, ClinGen allele CA7952431.

ClinVar aggregate classification (germline): Pathogenic/Likely pathogenic. Review status: criteria provided, multiple submitters, no conflicts (2 of 4 stars). 8 submissions from 8 submitters: Pathogenic (7); Likely pathogenic (1). Last evaluated 2026-08-31.

Conditions:
Rare genetic deafness. Identifiers: Orphanet 96210, MedGen C5680250.
Autosomal recessive nonsyndromic hearing loss 22. Identifiers: Orphanet 90636, MedGen C1846896, MONDO:0011762, OMIM 607039.
OTOA-related disorder. Also called: OTOA-related condition.

Submissions (8):

PreventionGenetics, part of Exact Sciences
Classification: Pathogenic for OTOA-related condition. Last evaluated: 2026-08-31. Review status: criteria provided, single submitter. Criteria: ACMG Guidelines, 2015. Collection method: clinical testing. Allele origin: germline.
Comment: The OTOA c.828delT variant is predicted to result in a frameshift and premature protein termination (p.Ser277Valfs*3). This variant has been reported as pathogenic in patients with non-syndromic hearing loss (described as c.590delT, Table S2, Shearer et al. 2014. PubMed ID: 24963352; described as c.591delT, Table S3, Sloan-Heggen et al. 2016. PubMed ID: 26969326). This variant is reported in 0.015% of alleles in individuals of European (Non-Finnish) descent in gnomAD. Frameshift variants in OTOA are expected to be pathogenic. This variant is interpreted as pathogenic.

GeneDx
Classification: Pathogenic. Last evaluated: 2025-12-17. Review status: criteria provided, single submitter. Criteria: GeneDx Variant Classification Process June 2021. Collection method: clinical testing. Allele origin: germline. Affected: yes.
Comment: Frameshift variant predicted to result in protein truncation or nonsense mediated decay in a gene for which loss-of-function is a known mechanism of disease; This variant is associated with the following publications: (PMID: 33879512, 24963352, 26969326, 27068579)

CeGaT Center for Human Genetics Tuebingen
Classification: Pathogenic. Last evaluated: 2025-01-01. Review status: criteria provided, single submitter. Criteria: CeGaT Center For Human Genetics Tuebingen Variant Classification Criteria Version 2. Collection method: clinical testing. Allele origin: germline. Affected: yes. Observed: 1 variant allele.
Comment: OTOA: PVS1, PM3, PM2:Supporting

Blueprint Genetics
Classification: Pathogenic for OTOA-related disorders. Last evaluated: 2024-03-26. Review status: criteria provided, single submitter. Criteria: ACMG Guidelines, 2015. Collection method: clinical testing. Allele origin: germline. Affected: yes. Observed: 5 variant alleles.

Labcorp Genetics (formerly Invitae), Labcorp
Classification: Pathogenic. Last evaluated: 2024-03-13. Review status: criteria provided, single submitter. Criteria: Invitae Variant Classification Sherloc (09022015). Collection method: clinical testing. Allele origin: germline.
Comment: This sequence change creates a premature translational stop signal (p.Ser277Valfs*3) in the OTOA gene. It is expected to result in an absent or disrupted protein product. Loss-of-function variants in OTOA are known to be pathogenic (PMID: 11972037). This variant is present in population databases (rs751447996, gnomAD 0.02%). This premature translational stop signal has been observed in individual(s) with clinical features of OTOA-related conditions (PMID: 26969326, 33879512). This variant is also known as c.591delT. ClinVar contains an entry for this variant (Variation ID: 402235). For these reasons, this variant has been classified as Pathogenic.

Victorian Clinical Genetics Services, Murdoch Childrens Research Institute
Classification: Pathogenic for Autosomal recessive nonsyndromic hearing loss 22. Last evaluated: 2022-02-02. Review status: criteria provided, single submitter. Criteria: ACMG Guidelines, 2015. Collection method: clinical testing. Allele origin: germline. Inheritance: Autosomal recessive inheritance. Affected: yes.
Comment: Based on the classification scheme VCGS_Germline_v1.3.4, this variant is classified as Pathogenic. Following criteria are met: 0102 - Loss of function is a known mechanism of disease in this gene and is associated with Deafness, autosomal recessive 22 (MIM#607039 ). (I) 0106 - This gene is associated with autosomal recessive disease. (I) 0201 - Variant is predicted to cause nonsense-mediated decay (NMD) and loss of protein (premature termination codon is located at least 54 nucleotides upstream of the final exon-exon junction). (SP) 0253 - This variant is hemizygous. (I) 0304 - Variant is present in gnomAD <0.01 for a recessive condition (v2: 23 heterozygotes, 0 homozygotes). (SP) 0702 - Other NMD-predicted variants comparable to the one identified in this case have strong previous evidence for pathogenicity (ClinVar). (SP) 0802 - This variant has moderate previous evidence of pathogenicity in unrelated individuals. It has been reported in at least four probands with hearing loss is and classified as likely pathogenic and pathogenic by diagnostic laboratories in Clinvar (PMID: 24963352, 27068579). (SP) 0905 - No published segregation evidence has been identified for this variant. (I) 1007 - No published functional evidence has been identified for this variant. (I) 1208 - Inheritance information for this variant is not currently available in this individual. (I) Legend: (SP) - Supporting pathogenic, (I) - Information, (SB) - Supporting benign

Laboratory for Molecular Medicine, Mass General Brigham Personalized Medicine
Classification: Pathogenic for Rare genetic deafness. Last evaluated: 2016-05-05. Review status: criteria provided, single submitter. Criteria: LMM Criteria. Collection method: clinical testing. Allele origin: germline. Inheritance: Autosomal recessive inheritance. Observed: 1 variant allele.
Comment: The p.Ser277fs variant in OTOA has not been previously reported in individuals w ith hearing loss. This variant has been identified in 9/66700 European chromosom es by the Exome Aggregation Consortium (ExAC; db SNP rs751447996); however, its frequency is low enough to be consistent with a r ecessive carrier frequency. This variant is predicted to cause a frameshift, whi ch alters the protein?s amino acid sequence beginning at position 277 and leads to a premature termination codon 3 amino acids downstream. This alteration is th en predicted to lead to a truncated or absent protein. Loss of function of the O TOA gene is an established disease mechanism in autosomal recessive sensorineura l hearing loss. In summary, this variant meets our criteria to be classified as pathogenic for sensorineural hearing loss in an autosomal recessive manner based on the predicted impact of the variant.

Knight Diagnostic Laboratories, Oregon Health and Sciences University
Classification: Likely pathogenic for Autosomal recessive nonsyndromic hearing loss 22. Last evaluated: 2015-12-03. Review status: criteria provided, single submitter. Criteria: ACMG Guidelines, 2015. Collection method: clinical testing. Allele origin: germline. Affected: no. Study: CSER-NextGen.
Comment: The c.828delT (p.Ser277Valfs*3) frameshift variant in the OTOA gene is predicted to cause a protein termination in exon 9 (out of a total of 28 exons in the coding sequence). Frameshift variants as well as splice-site variants, missense variants, and whole gene deletions have been reported in this gene for affected individuals. In vivo studies have also demonstrated loss of function is likely a mechanism for disease (Lukashkin et al., 2012). This variant is reported at low frequency within the control population databases (Exome Sequencing Project [ESP] = NA, 1000 Genomes = NA, and ExAC = 0.013). In silico algorithms predict the variant is within a conserved region (GERP = 5.77). Therefore, this collective evidence supports the classification of the c.828delT (p.Ser277Valfs*3) as an autosomal recessive Likely Pathogenic variant for Deafness and Hearing loss.

Literature cited by the submitters: PubMed 11972037 (cited by Labcorp Genetics (formerly Invitae), Labcorp); PubMed 26969326 (cited by Labcorp Genetics (formerly Invitae), Labcorp); PubMed 33879512 (cited by Labcorp Genetics (formerly Invitae), Labcorp); PubMed 24963352 (cited by Victorian Clinical Genetics Services, Murdoch Childrens Research Institute); PubMed 27068579 (cited by Victorian Clinical Genetics Services, Murdoch Childrens Research Institute).